The following is an entry in ClinVar:

ClinVar aggregate classification (germline): Uncertain significance (1 of 4 stars; one submission).

Submission:

GeneDx
Classification: Uncertain significance. Last evaluated: 2024-05-29. Review status: criteria provided, single submitter. Criteria: GeneDx Variant Classification Process June 2021. Collection method: clinical testing. Allele origin: germline. Affected: yes.
Comment: Not observed at significant frequency in large population cohorts (gnomAD); In silico analysis indicates that this missense variant does not alter protein structure/function; Has not been previously published as pathogenic or benign to our knowledge

NM_003482.4(KMT2D):c.8002G>C (p.Gly2668Arg)

Gene: KMT2D (lysine methyltransferase 2D; minus strand). Cytogenetic location: 12q13.12.
Variant type: single nucleotide variant.
Coding change: c.8002G>C on transcript NM_003482.4 (MANE Select); coding-DNA position 8002, G replaced by C.
Protein change: p.Gly2668Arg; replaces glycine 2668 with arginine.
Molecular consequence: missense variant.
Genome position (GRCh38, 1-based): chr12:49,039,768, C>G on the plus strand (G>C on the coding strand, the complement: KMT2D is on the minus strand). VCF-style: chr12-49039768-C-G. GRCh37 (hg19) VCF-style: chr12-49433551-C-G.
Other names: short protein forms G2668R.
Identifiers: ClinVar variation 3384498 (VCV003384498.1).